The following is an entry in ClinVar:

NM_000018.4(ACADVL):c.179T>G (p.Leu60Arg)

Gene: ACADVL (acyl-CoA dehydrogenase very long chain; plus strand). Cytogenetic location: 17p13.1.
Variant type: single nucleotide variant.
Coding change: c.179T>G on transcript NM_000018.4 (MANE Select); coding-DNA position 179, T replaced by G.
Protein change: p.Leu60Arg; replaces leucine 60 with arginine.
Molecular consequence: missense variant. On other transcripts: 5 prime UTR variant (1), intron variant (1).
Genome position (GRCh38, 1-based): chr17:7,220,504, T>G. VCF-style: chr17-7220504-T-G. GRCh37 (hg19) VCF-style: chr17-7123823-T-G.
Other names: c.248T>G, p.Leu83Arg (NM_001270447.2); c.-50T>G (NM_001270448.2); c.139-100T>G (NM_001033859.3); short protein forms L60R, L83R.
Identifiers: ClinVar variation 932740 (VCV000932740.4), dbSNP rs1405660468, ClinGen allele CA397722259.

ClinVar aggregate classification (germline): Uncertain significance. Review status: criteria provided, multiple submitters, no conflicts (2 of 4 stars). 2 submissions from 2 submitters: Uncertain significance (2). Last evaluated 2022-07-19.

Conditions:
Very long chain acyl-CoA dehydrogenase deficiency (ACADVLD). Also called: Very Long-Chain Acyl-Coenzyme A Dehydrogenase Deficiency; VLCAD Deficiency. Identifiers: Orphanet 26793, MedGen C3887523, MONDO:0008723, OMIM 201475.

Allele frequency attached by ClinVar (database versions not stated): TOPMed below 0.00001; gnomAD 0.00001.
gnomAD v4.1: 3 of 1,614,086 alleles (0.00019%); highest among the groups gnomAD compares: Non-Finnish European, 0.00025%; no homozygotes.

Submissions (2):

Labcorp Genetics (formerly Invitae), Labcorp
Classification: Uncertain significance for Very long chain acyl-CoA dehydrogenase deficiency. Last evaluated: 2022-07-19. Review status: criteria provided, single submitter. Criteria: Invitae Variant Classification Sherloc (09022015). Collection method: clinical testing. Allele origin: germline.
Comment: This sequence change replaces leucine, which is neutral and non-polar, with arginine, which is basic and polar, at codon 60 of the ACADVL protein (p.Leu60Arg). This variant is not present in population databases (gnomAD no frequency). This variant has not been reported in the literature in individuals affected with ACADVL-related conditions. ClinVar contains an entry for this variant (Variation ID: 932740). Algorithms developed to predict the effect of missense changes on protein structure and function (SIFT, PolyPhen-2, Align-GVGD) all suggest that this variant is likely to be tolerated. In summary, the available evidence is currently insufficient to determine the role of this variant in disease. Therefore, it has been classified as a Variant of Uncertain Significance.

Wong Mito Lab, Molecular and Human Genetics, Baylor College of Medicine
Classification: Uncertain significance for Very long chain acyl-CoA dehydrogenase deficiency. Last evaluated: 2019-11-01. Review status: criteria provided, single submitter. Criteria: ACMG Guidelines, 2015. Collection method: clinical testing. Allele origin: germline.
Comment: The NM_000018.3:c.179T>G (NP_000009.1:p.Leu60Arg) [GRCH38: NC_000017.11:g.7220504T>G] variant in ACADVL gene is interpretated to be Uncertain Significance based on ACMG guidelines (PMID: 25741868). This variant has been reported. This variant meets the following evidence codes reported in the ACMG guidelines: PM1, BP4